The following is an entry in ClinVar:

ClinVar aggregate classification (germline): Pathogenic (1 of 4 stars; one submission).

Conditions:
Hereditary cancer-predisposing syndrome. Also called: Neoplastic Syndromes, Hereditary; Tumor predisposition; Hereditary neoplastic syndrome; Hereditary Cancer Syndrome. Identifiers: Orphanet 140162, MedGen C0027672, MeSH D009386, MONDO:0015356.

Submission:

Ambry Genetics
Classification: Pathogenic for Hereditary cancer-predisposing syndrome. Last evaluated: 2023-10-10. Review status: criteria provided, single submitter. Criteria: Ambry Variant Classification Scheme 2023. Collection method: clinical testing. Allele origin: germline.
Comment: The c.3264_3273del10 pathogenic mutation, located in coding exon 19 of the PTCH1 gene, results from a deletion of 10 nucleotides at nucleotide positions 3264 to 3273, causing a translational frameshift with a predicted alternate stop codon (p.S1089*). This alteration has been observed in at least one individual with a personal and/or family history that is consistent with PTCH1-related disease (Ambry internal data). This variant is considered to be rare based on population cohorts in the Genome Aggregation Database (gnomAD). This alteration is expected to result in loss of function by premature protein truncation or nonsense-mediated mRNA decay. As such, this alteration is interpreted as a disease-causing mutation.

NM_000264.5(PTCH1):c.3264_3273del (p.Ala1088_Ser1089insTer)

Gene: PTCH1 (patched 1; minus strand). Cytogenetic location: 9q22.32.
Variant type: Deletion.
Coding change: c.3264_3273del on transcript NM_000264.5 (MANE Select); coding-DNA positions 3264 to 3273, 10 bases deleted (TTCTGTTGGC; older notation c.3264_3273delTTCTGTTGGC).
Protein change: p.Ala1088_Ser1089insTer.
Molecular consequence: frameshift variant. On other transcripts: non-coding transcript variant (1), nonsense (1).
Genome position (GRCh38, 1-based): chr9:95,456,309-95,456,318, GCCAACAGAA deleted on the plus strand (TTCTGTTGGC on the coding strand, the reverse complement: PTCH1 is on the minus strand); deleting any 10 consecutive bases within chr9:95,456,309-95,456,320 gives the same sequence; the c. name uses the placement nearest the transcript's 3' end. VCF-style (leftmost placement, unchanged base first): chr9-95456308-TGCCAACAGAA-T. GRCh37 (hg19) VCF-style: chr9-98218590-TGCCAACAGAA-T.
Other names: c.3066_3075del, p.Ala1022_Ser1023insTer (NM_001083602.3); c.3261_3270del, p.Ala1087_Ser1088insTer (NM_001083603.3); c.2811_2820del, p.Ala937_Ser938insTer (NM_001083604.3, NM_001083605.3, NM_001083606.3 and 1 more transcripts); c.3108_3117del, p.Ala1036_Ser1037insTer (NM_001354918.2); c.3264_3273del10 (NM_000264.3).
Identifiers: ClinVar variation 3231008 (VCV003231008.1), dbSNP rs2538056290, ClinGen allele CA2825001642.